The following is an entry in ClinVar:

ClinVar aggregate classification (germline): Pathogenic (1 of 4 stars; one submission).

Conditions:
Inborn genetic diseases. Identifiers: MedGen C0950123, MeSH D030342.

Submission:

Ambry Genetics
Classification: Pathogenic for Inborn genetic diseases. Last evaluated: 2025-01-23. Review status: criteria provided, single submitter. Criteria: Ambry Variant Classification Scheme 2023. Collection method: clinical testing. Allele origin: germline.
Comment: The c.458_459dupAT (p.D154Mfs*36) alteration, located in exon 8 (coding exon 6) of the GNB1 gene, consists of a duplication of AT at position 458, causing a translational frameshift with a predicted alternate stop codon after 36 amino acids. This alteration is expected to result in loss of function by premature protein truncation or nonsense-mediated mRNA decay. This variant was not reported in population-based cohorts in the Genome Aggregation Database (gnomAD). Based on the available evidence, this alteration is classified as pathogenic.

NM_002074.5(GNB1):c.458_459dup (p.Asp154fs)

Gene: GNB1 (G protein subunit beta 1; minus strand). Cytogenetic location: 1p36.33.
Variant type: Duplication.
Coding change: c.458_459dup on transcript NM_002074.5 (MANE Select); coding-DNA positions 458 to 459, 2 bases duplicated (AT; older notation c.458_459dupAT).
Protein change: p.Asp154fs; shifts the reading frame from aspartic acid 154.
Molecular consequence: frameshift variant.
Genome position (GRCh38, 1-based): chr1:1,793,283-1,793,284, AT duplicated on the plus strand (AT on the coding strand, the reverse complement: GNB1 is on the minus strand). VCF-style (leftmost placement, unchanged base first): chr1-1793282-C-CAT. GRCh37 (hg19) VCF-style: chr1-1724721-C-CAT.
Other names: c.158_159dup, p.Asp54fs (NM_001282538.2); c.458_459dup, p.Asp154fs (NM_001282539.2); short protein forms D54fs, D154fs.
Identifiers: ClinVar variation 3854495 (VCV003854495.1).